The following is an entry in ClinVar:

NM_201253.3(CRB1):c.2816G>A (p.Cys939Tyr)

Gene: CRB1 (crumbs cell polarity complex component 1; plus strand). Cytogenetic location: 1q31.3.
Variant type: single nucleotide variant.
Coding change: c.2816G>A on transcript NM_201253.3 (MANE Select); coding-DNA position 2816, G replaced by A.
Protein change: p.Cys939Tyr; replaces cysteine 939 with tyrosine.
Molecular consequence: missense variant. On other transcripts: non-coding transcript variant (2), intron variant (1).
Genome position (GRCh38, 1-based): chr1:197,429,588, G>A. VCF-style: chr1-197429588-G-A. GRCh37 (hg19) VCF-style: chr1-197398718-G-A.
Other names: c.2480G>A, p.Cys827Tyr (NM_001193640.2); c.2744G>A, p.Cys915Tyr (NM_001257965.2); c.2129-6012G>A (NM_001257966.2); short protein forms C939Y, C827Y, C915Y.
Identifiers: ClinVar variation 3576369 (VCV003576369.4).
Genomic context (GRCh38, chr1:197,429,588, plus strand): 5'-GGAAAGCCTGTGAGGAGGTTCAGTGGTGTGGATTCAGCCCGTGTCCTCACGGAGCCCAGT[G>A]CCAGCCGGTGCTTCAAGGATTTGAATGTAGGTAGAGTTCAAACCTACCATCTCACCAGTT-3'
Protein context (NP_957705.1, residues 929-949): GFSPCPHGAQ[Cys939Tyr]QPVLQGFECI

ClinVar aggregate classification (germline): Conflicting classifications of pathogenicity. Review status: criteria provided, conflicting classifications (1 of 4 stars). 3 submissions from 3 submitters: Likely pathogenic (2); Uncertain significance (1). Last evaluated 2024-03-01.

Conditions:
Leber congenital amaurosis 8 (LCA8). Identifiers: Orphanet 65, MedGen C3151202, MONDO:0013453, OMIM 613835.
Retinitis pigmentosa 12 (RP12). Also called: RP WITH OR WITHOUT PRESERVED PARAARTERIOLE RETINAL PIGMENT EPITHELIUM; RETINITIS PIGMENTOSA WITH OR WITHOUT PARAARTERIOLAR PRESERVATION OF RETINAL PIGMENT EPITHELIUM; RP WITH OR WITHOUT PPRPE. Identifiers: Orphanet 791, MedGen C1838647, MONDO:0010818, OMIM 600105.
Pigmented paravenous retinochoroidal atrophy. Identifiers: Orphanet 251295, MedGen C1868310, MONDO:0008246, OMIM 172870.
CRB1-related disorder. Also called: CRB1-related disorders; CRB1-related condition.

gnomAD v4.1: 3 of 1,613,896 alleles (0.00019%); highest among the groups gnomAD compares: Non-Finnish European, 0.00025%; no homozygotes.

Submissions (3):

Labcorp Genetics (formerly Invitae), Labcorp
Classification: Uncertain significance for Leber congenital amaurosis 8; Retinitis pigmentosa 12. Last evaluated: 2024-03-01. Review status: criteria provided, single submitter. Criteria: Invitae Variant Classification Sherloc (09022015). Collection method: clinical testing. Allele origin: germline.
Comment: This sequence change replaces cysteine, which is neutral and slightly polar, with tyrosine, which is neutral and polar, at codon 939 of the CRB1 protein (p.Cys939Tyr). This variant is not present in population databases (gnomAD no frequency). This missense change has been observed in individual(s) with Leber congenital amaurosis (PMID: 18055821). Advanced modeling of protein sequence and biophysical properties (such as structural, functional, and spatial information, amino acid conservation, physicochemical variation, residue mobility, and thermodynamic stability) performed at Invitae indicates that this missense variant is expected to disrupt CRB1 protein function with a positive predictive value of 80%. This variant disrupts the p.Cys939 amino acid residue in CRB1. Other variant(s) that disrupt this residue have been determined to be pathogenic (PMID: 18055821; Invitae). This suggests that this residue is clinically significant, and that variants that disrupt this residue are likely to be disease-causing. In summary, the available evidence is currently insufficient to determine the role of this variant in disease. Therefore, it has been classified as a Variant of Uncertain Significance.

Fulgent Genetics
Classification: Likely pathogenic for Pigmented paravenous retinochoroidal atrophy; Retinitis pigmentosa 12; Leber congenital amaurosis 8. Last evaluated: 2024-02-28. Review status: criteria provided, single submitter. Criteria: ACMG Guidelines, 2015. Collection method: clinical testing. Allele origin: germline.

Blueprint Genetics
Classification: Likely pathogenic for CRB1-related disorders. Last evaluated: 2021-09-07. Review status: criteria provided, single submitter. Criteria: ACMG Guidelines, 2015. Collection method: clinical testing. Allele origin: germline. Affected: yes. Observed: 2 variant alleles.

Literature cited by the submitters: PubMed 18055821 (cited by Labcorp Genetics (formerly Invitae), Labcorp).